The following is an entry in ClinVar:

ClinVar aggregate classification (germline): Pathogenic. Review status: criteria provided, multiple submitters, no conflicts (2 of 4 stars). 3 submissions from 3 submitters: Pathogenic (3). Last evaluated 2025-12-18.

Conditions:
Exostoses, multiple, type 1 (EXT1). Also called: EXOSTOSES, MULTIPLE, TYPE I; Hereditary Multiple Osteochondromatosis, Type I. Identifiers: MedGen CN263289, MONDO:0007585, OMIM 133700.
Multiple congenital exostosis (EXT). Also called: Multiple exostoses; Hereditary multiple osteochondromas; Hereditary multiple exostoses; Hereditary multiple exostosis; MULTIPLE CARTILAGINOUS EXOSTOSES; Multiple osteochondromas. Identifiers: Orphanet 321, MedGen C0015306, MONDO:0005508, HP:0002762.

Submissions (3):

Clinical Genetics Laboratory, University Hospital Schleswig-Holstein
Classification: Pathogenic for Exostoses, multiple, type 1. Last evaluated: 2025-12-18. Review status: criteria provided, single submitter. Criteria: ACMG Guidelines, 2015. Collection method: clinical testing. Allele origin: de novo. Affected: yes. Observed: 1 heterozygote.
Comment: ACMG criteria applied: PM2, PS4_Supporting, PVS1, PS2

GeneDx
Classification: Pathogenic. Last evaluated: 2024-12-03. Review status: criteria provided, single submitter. Criteria: GeneDx Variant Classification Process June 2021. Collection method: clinical testing. Allele origin: germline. Affected: yes.
Comment: Canonical splice site variant predicted to result in a null allele in a gene for which loss of function is a known mechanism of disease; Not observed at significant frequency in large population cohorts (gnomAD); This variant is associated with the following publications: (PMID: 17041877)

Labcorp Genetics (formerly Invitae), Labcorp
Classification: Pathogenic for Multiple congenital exostosis. Last evaluated: 2024-11-17. Review status: criteria provided, single submitter. Criteria: Invitae Variant Classification Sherloc (09022015). Collection method: clinical testing. Allele origin: germline.
Comment: This sequence change affects an acceptor splice site in intron 5 of the EXT1 gene. It is expected to disrupt RNA splicing. Variants that disrupt the donor or acceptor splice site typically lead to a loss of protein function (PMID: 16199547), and loss-of-function variants in EXT1 are known to be pathogenic (PMID: 10679937, 11391482, 19810120). This variant is not present in population databases (gnomAD no frequency). Disruption of this splice site has been observed in individual(s) with multiple osteochondromas (PMID: 17041877). ClinVar contains an entry for this variant (Variation ID: 1457287). Algorithms developed to predict the effect of sequence changes on RNA splicing suggest that this variant may disrupt the consensus splice site. For these reasons, this variant has been classified as Pathogenic.

Literature cited by the submitters: PubMed 16199547 (cited by Labcorp Genetics (formerly Invitae), Labcorp); PubMed 10679937 (cited by Labcorp Genetics (formerly Invitae), Labcorp); PubMed 11391482 (cited by Labcorp Genetics (formerly Invitae), Labcorp); PubMed 19810120 (cited by Labcorp Genetics (formerly Invitae), Labcorp); PubMed 17041877 (cited by Labcorp Genetics (formerly Invitae), Labcorp).

NM_000127.3(EXT1):c.1418-1G>A

Gene: EXT1 (exostosin glycosyltransferase 1; minus strand). Cytogenetic location: 8q24.11.
Variant type: single nucleotide variant.
Coding change: c.1418-1G>A on transcript NM_000127.3 (MANE Select); the canonical splice acceptor site of the intron before coding-DNA position 1418, G replaced by A.
Molecular consequence: splice acceptor variant.
Genome position (GRCh38, 1-based): chr8:117,819,795, C>T on the plus strand (G>A on the coding strand, the complement: EXT1 is on the minus strand). VCF-style: chr8-117819795-C-T. GRCh37 (hg19) VCF-style: chr8-118832034-C-T.
Identifiers: ClinVar variation 1457287 (VCV001457287.8), dbSNP rs2129741436, ClinGen allele CA371885622.